The following is an entry in ClinVar:

NM_012186.3(FOXE3):c.400C>T (p.Arg134Cys)

Genes: FOXE3 (forkhead box E3; plus strand), LINC01389 (long independently transcribed non-coding RNA 1389; minus strand). Cytogenetic location: 1p33.
Variant type: single nucleotide variant.
Coding change: c.400C>T on transcript NM_012186.3 (MANE Select); coding-DNA position 400, C replaced by T.
Protein change: p.Arg134Cys; replaces arginine 134 with cysteine.
Molecular consequence: missense variant.
Genome position (GRCh38, 1-based): chr1:47,416,715, C>T. VCF-style: chr1-47416715-C-T. GRCh37 (hg19) VCF-style: chr1-47882387-C-T.
Other names: short protein forms R134C.
Identifiers: ClinVar variation 4783418 (VCV004783418.1).

ClinVar aggregate classification (germline): Uncertain significance (1 of 4 stars; one submission).

Conditions:
Anterior segment dysgenesis. Also called: Ocular anterior segment dysgenesis. Identifiers: Orphanet 88632, MedGen C1862839, MONDO:0019503, HP:0007700.
Congenital primary aphakia. Also called: Anterior segment dysgenesis 2, multiple subtypes; ANTERIOR SEGMENT DYSGENESIS 2. Identifiers: Orphanet 83461, MedGen C1853230, MONDO:0012456, OMIM 610256.

Submission:

Labcorp Genetics (formerly Invitae), Labcorp
Classification: Uncertain significance for Anterior segment dysgenesis; Congenital primary aphakia. Last evaluated: 2026-01-31. Review status: criteria provided, single submitter. Criteria: Invitae Variant Classification Sherloc (09022015). Collection method: clinical testing. Allele origin: germline.
Comment: This sequence change replaces arginine, which is basic and polar, with cysteine, which is neutral and slightly polar, at codon 134 of the FOXE3 protein (p.Arg134Cys). This variant is not present in population databases (gnomAD no frequency). This variant has not been reported in the literature in individuals affected with FOXE3-related conditions. Invitae Evidence Modeling of protein sequence and biophysical properties (such as structural, functional, and spatial information, amino acid conservation, physicochemical variation, residue mobility, and thermodynamic stability) indicates that this missense variant is expected to disrupt FOXE3 protein function with a positive predictive value of 95%. In summary, the available evidence is currently insufficient to determine the role of this variant in disease. Therefore, it has been classified as a Variant of Uncertain Significance.